The following is an entry in ClinVar:

ClinVar aggregate classification (germline): Uncertain significance (1 of 4 stars; one submission).

Submission:

GeneDx
Classification: Uncertain significance. Last evaluated: 2025-10-07. Review status: criteria provided, single submitter. Criteria: GeneDx Variant Classification Process June 2021. Collection method: clinical testing. Allele origin: germline. Affected: yes.
Comment: Not observed at significant frequency in large population cohorts (gnomAD); In silico analysis suggests that this missense variant does not alter protein structure/function; Has not been previously published as pathogenic or benign to our knowledge

NM_015215.4(CAMTA1):c.2935A>G (p.Ile979Val)

Gene: CAMTA1 (calmodulin binding transcription activator 1; plus strand). Cytogenetic location: 1p36.23.
Variant type: single nucleotide variant.
Coding change: c.2935A>G on transcript NM_015215.4 (MANE Select); coding-DNA position 2935, A replaced by G.
Protein change: p.Ile979Val; replaces isoleucine 979 with valine.
Molecular consequence: missense variant.
Genome position (GRCh38, 1-based): chr1:7,732,468, A>G. VCF-style: chr1-7732468-A-G. GRCh37 (hg19) VCF-style: chr1-7792528-A-G.
Other names: c.2845A>G, p.Ile949Val (NM_001349608.2, NM_001349612.2); c.2935A>G, p.Ile979Val (NM_001349609.2, NM_001349610.2, NM_001410737.1); c.64A>G, p.Ile22Val (NM_001349613.1); c.7A>G, p.Ile3Val (NM_001349614.1, NM_001349615.2, NM_001349616.2 and 10 more transcripts); c.2863A>G, p.Ile955Val (NM_001410738.1); short protein forms I22V, I3V, I949V, I955V, I979V.
Identifiers: ClinVar variation 2443627 (VCV002443627.2), dbSNP rs2523005114, ClinGen allele CA338142015.